The following is an entry in ClinVar:

ClinVar aggregate classification (germline): Uncertain significance. Review status: criteria provided, multiple submitters, no conflicts (2 of 4 stars). 2 submissions from 2 submitters: Uncertain significance (2). Last evaluated 2024-04-24.

Allele frequency attached by ClinVar (database versions not stated): gnomAD exomes below 0.00001; gnomAD 0.00001; TOPMed 0.00001.
gnomAD v4.1: 4 of 1,614,074 alleles (0.00025%); highest among the groups gnomAD compares: African/African-American, 0.0053%; no homozygotes.

Submissions (2):

Ambry Genetics
Classification: Uncertain significance. Last evaluated: 2024-04-24. Review status: criteria provided, single submitter. Criteria: Ambry Variant Classification Scheme 2023. Collection method: clinical testing. Allele origin: germline.
Comment: The p.A145T variant (also known as c.433G>A), located in coding exon 1 of the PALLD gene, results from a G to A substitution at nucleotide position 433. The alanine at codon 145 is replaced by threonine, an amino acid with similar properties. This amino acid position is conserved. In addition, this alteration is predicted to be tolerated by in silico analysis. Since supporting evidence is limited at this time, the clinical significance of this alteration remains unclear.

GeneDx
Classification: Uncertain significance. Last evaluated: 2014-01-07. Review status: criteria provided, single submitter. Criteria: GeneDx Variant Classification (06012015). Collection method: clinical testing. Allele origin: germline. Affected: yes.
Comment: PALLD has been only recently described in association with pancreatic cancer and the risks are not well understood. This variant is denoted PALLD c.433G>A at the cDNA level, p.Ala145Thr (A145T) at the protein level, and results in the change of an Alanine to a Threonine (GCA>ACA). This variant has not, to our knowledge, been published in the literature as pathogenic or benign. PALLD Ala145Thr was not observed in approximately 6,500 individuals of European and African American ancestry in the NHLBI Exome Sequencing Project, indicating it is not a common benign variant in these populations. This variant is a non-conservative substitution in which a neutral non-polar amino acid is replaced with a neutral polar one, altering a position that is only moderately conserved throughout evolution and is not located in a known functional domain. In silico analyses predict this variant to have a benign effect on protein structure and function. On a molecular level, the impact of this missense variant on protein structure and function is not known and thus we consider this to be a variant of uncertain significance. Furthermore, based on the currently available information, cancer risks associated with this variant, and the PALLD gene, remain unclear.

NM_001166108.2(PALLD):c.433G>A (p.Ala145Thr)

Gene: PALLD (palladin, cytoskeletal associated protein; plus strand). Cytogenetic location: 4q32.3.
Variant type: single nucleotide variant.
Coding change: c.433G>A on transcript NM_001166108.2 (MANE Select); coding-DNA position 433, G replaced by A.
Protein change: p.Ala145Thr; replaces alanine 145 with threonine.
Molecular consequence: missense variant.
Genome position (GRCh38, 1-based): chr4:168,511,937, G>A. VCF-style: chr4-168511937-G-A. GRCh37 (hg19) VCF-style: chr4-169433088-G-A.
Other names: p.A145T:GCA>ACA; c.433G>A, p.Ala145Thr (NM_016081.4); short protein forms A145T.
Identifiers: ClinVar variation 128110 (VCV000128110.5), dbSNP rs587780202, ClinGen allele CA288371.